The following is an entry in ClinVar:

ClinVar aggregate classification (germline): Conflicting classifications of pathogenicity. Review status: criteria provided, conflicting classifications (1 of 4 stars). 4 submissions from 4 submitters: Uncertain significance (2); Benign (1); Likely benign (1). Last evaluated 2025-12-05.

Conditions:
Birt-Hogg-Dube syndrome 1 (BHD1). Also called: FIBROFOLLICULOMAS WITH TRICHODISCOMAS AND ACROCHORDONS. Identifiers: Orphanet 122, MedGen CN375946, MONDO:0800445, OMIM 135150.
Birt-Hogg-Dube syndrome. Also called: Birt Hogg Dubé syndrome. Identifiers: Orphanet 122, MedGen C0346010, MONDO:0800444.
Hereditary cancer-predisposing syndrome. Also called: Hereditary neoplastic syndrome; Neoplastic Syndromes, Hereditary; Tumor predisposition; Hereditary Cancer Syndrome. Identifiers: Orphanet 140162, MedGen C0027672, MeSH D009386, MONDO:0015356.

Allele frequency attached by ClinVar (database versions not stated): gnomAD 0.00001; TOPMed 0.00002.
gnomAD v4.1: 24 of 1,613,260 alleles (0.0015%); highest among the groups gnomAD compares: Non-Finnish European, 0.0019%; no homozygotes.

Submissions (4):

Labcorp Genetics (formerly Invitae), Labcorp
Classification: Uncertain significance for Birt-Hogg-Dube syndrome. Last evaluated: 2025-12-05. Review status: criteria provided, single submitter. Criteria: Invitae Variant Classification Sherloc (09022015). Collection method: clinical testing. Allele origin: germline.
Comment: This sequence change replaces glutamine, which is neutral and polar, with histidine, which is basic and polar, at codon 201 of the FLCN protein (p.Gln201His). This variant is present in population databases (rs759405317, gnomAD 0.01%). This variant has not been reported in the literature in individuals affected with FLCN-related conditions. ClinVar contains an entry for this variant (Variation ID: 409401). Invitae Evidence Modeling of protein sequence and biophysical properties (such as structural, functional, and spatial information, amino acid conservation, physicochemical variation, residue mobility, and thermodynamic stability) indicates that this missense variant is expected to disrupt FLCN protein function with a positive predictive value of 80%. In summary, the available evidence is currently insufficient to determine the role of this variant in disease. Therefore, it has been classified as a Variant of Uncertain Significance.

Center for Genomic Medicine, Rigshospitalet, Copenhagen University Hospital
Classification: Uncertain significance. Last evaluated: 2025-03-04. Review status: criteria provided, single submitter. Criteria: ACMG Guidelines, 2015. Collection method: clinical testing. Allele origin: germline.

Myriad Genetics, Inc.
Classification: Likely benign for Birt-Hogg-Dube syndrome 1. Last evaluated: 2024-10-23. Review status: criteria provided, single submitter. Criteria: Myriad Autosomal Dominant, Autosomal Recessive and X-Linked Classification Criteria (2023). Collection method: clinical testing. Allele origin: unknown.
Comment: This variant is considered likely benign. This variant has been observed at a population frequency that is significantly greater than expected given the associated disease prevalence and penetrance.

Ambry Genetics
Classification: Benign for Hereditary cancer-predisposing syndrome. Last evaluated: 2023-01-13. Review status: criteria provided, single submitter. Criteria: Ambry Variant Classification Scheme 2023. Collection method: clinical testing. Allele origin: germline.

NM_144997.7(FLCN):c.603G>T (p.Gln201His)

Gene: FLCN (folliculin; minus strand). Cytogenetic location: 17p11.2.
Variant type: single nucleotide variant.
Coding change: c.603G>T on transcript NM_144997.7 (MANE Select); coding-DNA position 603, G replaced by T.
Protein change: p.Gln201His; replaces glutamine 201 with histidine.
Molecular consequence: missense variant.
Genome position (GRCh38, 1-based): chr17:17,223,937, C>A on the plus strand (G>T on the coding strand, the complement: FLCN is on the minus strand). VCF-style: chr17-17223937-C-A. GRCh37 (hg19) VCF-style: chr17-17127251-C-A.
Other names: c.603G>T (LRG_325t1); c.657G>T, p.Gln219His (NM_001353229.2); c.603G>T, p.Gln201His (NM_001353230.2, NM_001353231.2, NM_144606.7); short protein forms Q201H, Q219H.
Identifiers: ClinVar variation 409401 (VCV000409401.20), dbSNP rs759405317, ClinGen allele CA8416375.